The following is an entry in ClinVar:

ClinVar aggregate classification (germline): Uncertain significance (1 of 4 stars; one submission).

Conditions:
Common variable immunodeficiency (CVID). Also called: Common variable hypogamma-globulinemia; Common variable agammaglobulinemia. Identifiers: Orphanet 1572, MedGen C0009447, MONDO:0015517.

Allele frequency attached by ClinVar (database versions not stated): TOPMed below 0.00001; gnomAD 0.00001; gnomAD exomes 0.00002.
gnomAD v4.1: 20 of 1,399,332 alleles (0.0014%); highest among the groups gnomAD compares: South Asian, 0.019%; no homozygotes.

Submission:

Labcorp Genetics (formerly Invitae), Labcorp
Classification: Uncertain significance for Common variable immunodeficiency. Last evaluated: 2025-03-13. Review status: criteria provided, single submitter. Criteria: Invitae Variant Classification Sherloc (09022015). Collection method: clinical testing. Allele origin: germline.
Comment: This sequence change falls in intron 1 of the TNFSF12 gene. It does not directly change the encoded amino acid sequence of the TNFSF12 protein. It affects a nucleotide within the consensus splice site. This variant is not present in population databases (gnomAD no frequency). This variant has not been reported in the literature in individuals affected with TNFSF12-related conditions. ClinVar contains an entry for this variant (Variation ID: 2891125). Variants that disrupt the consensus splice site are a relatively common cause of aberrant splicing (PMID: 17576681, 9536098). Algorithms developed to predict the effect of sequence changes on RNA splicing suggest that this variant is not likely to affect RNA splicing. In summary, the available evidence is currently insufficient to determine the role of this variant in disease. Therefore, it has been classified as a Variant of Uncertain Significance.

Literature cited by the submitters: PubMed 17576681; PubMed 9536098.

NM_003809.3(TNFSF12):c.159+3G>A

Genes: TNFSF12 (TNF superfamily member 12; plus strand), TNFSF12-TNFSF13 (TNFSF12-TNFSF13 readthrough; plus strand). Cytogenetic location: 17p13.1.
Variant type: single nucleotide variant.
Coding change: c.159+3G>A on transcript NM_003809.3 (MANE Select); 3 bases into the intron after coding-DNA position 159, G replaced by A.
Molecular consequence: intron variant.
Genome position (GRCh38, 1-based): chr17:7,549,315, G>A. VCF-style: chr17-7549315-G-A. GRCh37 (hg19) VCF-style: chr17-7452632-G-A.
Other names: c.159+3G>A (NM_172089.4).
Identifiers: ClinVar variation 2891125 (VCV002891125.3), dbSNP rs1013121027, ClinGen allele CA287462221.